The following is an entry in ClinVar:

ClinVar aggregate classification (germline): Uncertain significance. Review status: criteria provided, multiple submitters, no conflicts (2 of 4 stars). 2 submissions from 2 submitters: Uncertain significance (2). Last evaluated 2025-06-16.

Conditions:
Inborn genetic diseases. Identifiers: MedGen C0950123, MeSH D030342.

Allele frequency attached by ClinVar (database versions not stated): TOPMed 0.00003; gnomAD 0.00003.
gnomAD v4.1: 36 of 1,613,568 alleles (0.0022%); highest among the groups gnomAD compares: Non-Finnish European, 0.0029%; no homozygotes.

Submissions (2):

GeneDx
Classification: Uncertain significance. Last evaluated: 2025-06-16. Review status: criteria provided, single submitter. Criteria: GeneDx Variant Classification Process June 2021. Collection method: clinical testing. Allele origin: germline. Affected: yes.
Comment: In silico analysis suggests that this missense variant does not alter protein structure/function; Has not been previously published as pathogenic or benign to our knowledge

Ambry Genetics
Classification: Uncertain significance for Inborn genetic diseases. Last evaluated: 2024-11-25. Review status: criteria provided, single submitter. Criteria: Ambry Variant Classification Scheme 2023. Collection method: clinical testing. Allele origin: germline.
Comment: The p.G307R variant (also known as c.919G>C), located in coding exon 3 of the SH2B3 gene, results from a G to C substitution at nucleotide position 919. The glycine at codon 307 is replaced by arginine, an amino acid with dissimilar properties. This amino acid position is conserved. In addition, this alteration is predicted to be tolerated by in silico analysis. Based on the available evidence, the clinical significance of this variant remains unclear.

NM_005475.3(SH2B3):c.919G>C (p.Gly307Arg)

Gene: SH2B3 (SH2B adaptor protein 3; plus strand). Cytogenetic location: 12q24.12.
Variant type: single nucleotide variant.
Coding change: c.919G>C on transcript NM_005475.3 (MANE Select); coding-DNA position 919, G replaced by C.
Protein change: p.Gly307Arg; replaces glycine 307 with arginine.
Molecular consequence: missense variant.
Genome position (GRCh38, 1-based): chr12:111,447,026, G>C. VCF-style: chr12-111447026-G-C. GRCh37 (hg19) VCF-style: chr12-111884830-G-C.
Other names: c.313G>C, p.Gly105Arg (NM_001291424.1); short protein forms G105R, G307R.
Identifiers: ClinVar variation 2369926 (VCV002369926.4), dbSNP rs747361036, ClinGen allele CA6789777.